The following is an entry in ClinVar:

ClinVar aggregate classification (germline): Uncertain significance (1 of 4 stars; one submission).

gnomAD v4.1: 2 of 1,562,708 alleles (0.00013%); highest among the groups gnomAD compares: African/African-American, 0.0027%; no homozygotes.

Submission:

GeneDx
Classification: Uncertain significance. Last evaluated: 2023-11-10. Review status: criteria provided, single submitter. Criteria: GeneDx Variant Classification Process June 2021. Collection method: clinical testing. Allele origin: germline. Affected: yes.
Comment: Has not been previously published as pathogenic or benign to our knowledge; In silico analysis is inconclusive as to whether the variant alters gene splicing. In the absence of RNA/functional studies, the actual effect of this sequence change is unknown.; Variants in candidate genes are classified as variants of uncertain significance in accordance with ACMG guidelines (PMID: 25741868)

NM_001370785.2(LRRC7):c.1017A>G (p.Leu339=)

Gene: LRRC7 (leucine rich repeat containing 7; plus strand). Cytogenetic location: 1p31.1.
Variant type: single nucleotide variant.
Coding change: c.1017A>G on transcript NM_001370785.2 (MANE Select); coding-DNA position 1017, A replaced by G.
Protein change: p.Leu339=; no amino-acid change (leucine 339 retained).
Molecular consequence: synonymous variant.
Genome position (GRCh38, 1-based): chr1:70,011,809, A>G. VCF-style: chr1-70011809-A-G. GRCh37 (hg19) VCF-style: chr1-70477492-A-G.
Other names: NM_020794.2:c.903A>G; c.918A>G, p.Leu306= (NM_001330635.3, NM_001366839.3, NM_001366841.1); c.1020A>G, p.Leu340= (NM_001350216.3); c.1017A>G, p.Leu339= (NM_001366838.3).
Identifiers: ClinVar variation 3363997 (VCV003363997.1).